The following is an entry in ClinVar:

ClinVar aggregate classification (germline): Uncertain significance. Review status: criteria provided, multiple submitters, no conflicts (2 of 4 stars). 2 submissions from 2 submitters: Uncertain significance (2). Last evaluated 2025-04-15.

Conditions:
Inborn genetic diseases. Identifiers: MedGen C0950123, MeSH D030342.
Short stature-brachydactyly-obesity-global developmental delay syndrome. Also called: Short stature, brachydactyly, intellectual developmental disability, and seizures; SHORT STATURE, BRACHYDACTYLY, IMPAIRED INTELLECTUAL DEVELOPMENT, AND SEIZURES. Identifiers: Orphanet 464288, MedGen C4310689, MONDO:0014944, OMIM 617157.

Allele frequency attached by ClinVar (database versions not stated): gnomAD 0.00004; TOPMed 0.00005; ExAC 0.00007; ESP Exome Variant Server 0.00015; gnomAD exomes 0.00015.

Submissions (2):

Medical Molecular Genetics Department, National Research Center
Classification: Uncertain significance for Short stature-brachydactyly-obesity-global developmental delay syndrome. Last evaluated: 2025-04-15. Review status: criteria provided, single submitter. Criteria: ACMG Guidelines, 2015. Collection method: clinical testing. Allele origin: germline. Affected: yes.
Comment: According to ACMG guidlines, the variant is classified as variant of un certain significant: our study patient’s clinical phenotype is typically correlated to the disease, the affected proband showed the variant in the homozygous form, yet it showed an extremely low frequency in gnomAD population databases (PM2) additionally, by segregation analysis: the healthy sibling showed the same variant at the hetrozygous status, as well as parents showed the heterozygous status.

Ambry Genetics
Classification: Uncertain significance for Inborn genetic diseases. Last evaluated: 2021-09-16. Review status: criteria provided, single submitter. Criteria: Ambry Variant Classification Scheme 2023. Collection method: clinical testing. Allele origin: germline.

NM_019023.5(PRMT7):c.1591C>T (p.Arg531Trp)

Gene: PRMT7 (protein arginine methyltransferase 7; plus strand). Cytogenetic location: 16q22.1.
Variant type: single nucleotide variant.
Coding change: c.1591C>T on transcript NM_019023.5 (MANE Select); coding-DNA position 1591, C replaced by T.
Protein change: p.Arg531Trp; replaces arginine 531 with tryptophan.
Molecular consequence: missense variant. On other transcripts: non-coding transcript variant (12).
Genome position (GRCh38, 1-based): chr16:68,353,507, C>T. VCF-style: chr16-68353507-C-T. GRCh37 (hg19) VCF-style: chr16-68387410-C-T.
Other names: c.1441C>T, p.Arg481Trp (NM_001184824.4); c.1591C>T, p.Arg531Trp (NM_001290018.2, NM_001351143.3, NM_001378018.1); c.1594C>T, p.Arg532Trp (NM_001351144.3); c.1384C>T, p.Arg462Trp (NM_001378020.1); c.1354C>T, p.Arg452Trp (NM_001378021.1, NM_001378022.1, NM_001378023.1); short protein forms R481W, R532W, R452W, R462W, R531W.
Identifiers: ClinVar variation 2380452 (VCV002380452.3), dbSNP rs147358081, ClinGen allele CA8127557.